The following is an entry in ClinVar:

NM_001113491.2(SEPTIN9):c.76+12764G>A

Gene: SEPTIN9 (septin 9; plus strand). Cytogenetic location: 17q25.3.
Variant type: single nucleotide variant.
Coding change: c.76+12764G>A on transcript NM_001113491.2 (MANE Select); 12764 bases into the intron after coding-DNA position 76, G replaced by A.
Molecular consequence: intron variant. On other transcripts: 5 prime UTR variant (1).
Genome position (GRCh38, 1-based): chr17:77,319,961, G>A. VCF-style: chr17-77319961-G-A. GRCh37 (hg19) VCF-style: chr17-75316043-G-A.
Other names: c.-366G>A (NM_006640.5); c.19+38407G>A (NM_001293695.2); c.-417+12764G>A (NM_001113492.2).
Identifiers: ClinVar variation 325531 (VCV000325531.36), dbSNP rs769442066, ClinGen allele CA10640754.

ClinVar aggregate classification (germline): Conflicting classifications of pathogenicity. Review status: criteria provided, conflicting classifications (1 of 4 stars). 2 submissions from 2 submitters: Uncertain significance (1); Benign (1). Last evaluated 2022-09-01.

Conditions:
Amyotrophic neuralgia (HNA). Also called: AMYOTROPHY, HEREDITARY NEURALGIC, WITH PREDILECTION FOR BRACHIAL PLEXUS; Hereditary Brachial Plexus Neuropathy; Neuritis with Brachial Predilection; AMYOTROPHY, HEREDITARY NEURALGIC. Identifiers: Orphanet 2901, MedGen C1834304, MONDO:0008076, OMIM 162100.

Allele frequency attached by ClinVar (database versions not stated): 1000 Genomes Project 30x 0.00031; gnomAD 0.00053 and 0.00054; TOPMed 0.00063; gnomAD exomes 0.00131.
gnomAD v4.1: 1,393 of 1,176,902 alleles (0.12%); highest among the groups gnomAD compares: Non-Finnish European, 0.14%; 3 homozygotes.

Submissions (2):

CeGaT Center for Human Genetics Tuebingen
Classification: Benign. Last evaluated: 2022-09-01. Review status: criteria provided, single submitter. Criteria: CeGaT Center For Human Genetics Tuebingen Variant Classification Criteria Version 2. Collection method: clinical testing. Allele origin: germline. Affected: yes. Observed: 2 variant alleles.
Comment: SEPTIN9: BS1, BS2

Illumina Laboratory Services, Illumina
Classification: Uncertain significance for Amyotrophy, hereditary neuralgic. Last evaluated: 2018-01-13. Review status: criteria provided, single submitter. Criteria: ICSL Variant Classification Criteria 13 December 2019. Collection method: clinical testing. Allele origin: germline.